The following is an entry in ClinVar:

ClinVar aggregate classification (germline): Uncertain significance. Review status: criteria provided, multiple submitters, no conflicts (2 of 4 stars). 2 submissions from 2 submitters: Uncertain significance (2). Last evaluated 2021-05-06.

Conditions:
Dyskeratosis congenita. Identifiers: Orphanet 1775, MedGen C0265965, MONDO:0015780.

Allele frequency attached by ClinVar (database versions not stated): ESP Exome Variant Server 0.00008.

Submissions (2):

Victorian Clinical Genetics Services, Murdoch Childrens Research Institute
Classification: Uncertain significance for Dyskeratosis congenita. Last evaluated: 2021-05-06. Review status: criteria provided, single submitter. Criteria: ACMG Guidelines, 2015. Collection method: clinical testing. Allele origin: germline. Inheritance: Autosomal dominant inheritance.
Comment: Based on the classification scheme VCGS_Germline_v1.3.4, this variant is classified as VUS-3C. Following criteria are met: 0105 - The mechanism of disease for this gene is not clearly established. (I) 0107 - This gene is associated with autosomal dominant disease. (I) 0200 - Variant is predicted to result in a missense amino acid change from proline to serine. (I) 0251 - This variant is heterozygous. (I) 0301 - Variant is absent from gnomAD (both v2 and v3). (SP) 0309 - An alternative amino acid change at the same position has been observed in gnomAD (v2) (p.(Pro430Leu): 4 heterozygotes, 0 homozygotes). (I) 0504 - Same amino acid change has been observed in placental mammals. (SB) 0604 - Variant is not located in an established domain, motif, hotspot or informative constraint region. (I) 0710 - Another missense variant comparable to the one identified in this case has inconclusive previous evidence for pathogenicity. The p.(Pro430Thr) variant has been classified as a VUS by a clinical diagnostic laboratory (ClinVar). (I) 0809 - Previous evidence of pathogenicity for this variant is inconclusive. This variant has been classified as a VUS by a clinical diagnostic laboratory (ClinVar). (I) 0905 - No published segregation evidence has been identified for this variant. (I) 1007 - No published functional evidence has been identified for this variant. (I) 1208 - Inheritance information for this variant is not currently available in this individual. (I) Legend: (SP) - Supporting pathogenic, (I) - Information, (SB) - Supporting benign

Labcorp Genetics (formerly Invitae), Labcorp
Classification: Uncertain significance for Dyskeratosis congenita. Last evaluated: 2018-09-10. Review status: criteria provided, single submitter. Criteria: Invitae Variant Classification Sherloc (09022015). Collection method: clinical testing. Allele origin: germline.
Comment: This variant is not present in population databases (ExAC no frequency). This variant has not been reported in the literature in individuals with TINF2-related disease. Algorithms developed to predict the effect of missense changes on protein structure and function output the following: SIFT: "Tolerated"; PolyPhen-2: "Possibly Damaging"; Align-GVGD: "Class C0". The serine amino acid residue is found in multiple mammalian species, suggesting that this missense change does not adversely affect protein function. These predictions have not been confirmed by published functional studies and their clinical significance is uncertain. In summary, the available evidence is currently insufficient to determine the role of this variant in disease. Therefore, it has been classified as a Variant of Uncertain Significance. This sequence change replaces proline with serine at codon 430 of the TINF2 protein (p.Pro430Ser). The proline residue is moderately conserved and there is a moderate physicochemical difference between proline and serine.

NM_001099274.3(TINF2):c.1288C>T (p.Pro430Ser)

Gene: TINF2 (TERF1 interacting nuclear factor 2; minus strand). Cytogenetic location: 14q12.
Variant type: single nucleotide variant.
Coding change: c.1288C>T on transcript NM_001099274.3 (MANE Select); coding-DNA position 1288, C replaced by T.
Protein change: p.Pro430Ser; replaces proline 430 with serine.
Molecular consequence: missense variant. On other transcripts: 3 prime UTR variant (1).
Genome position (GRCh38, 1-based): chr14:24,239,865, G>A on the plus strand (C>T on the coding strand, the complement: TINF2 is on the minus strand). VCF-style: chr14-24239865-G-A. GRCh37 (hg19) VCF-style: chr14-24709071-G-A.
Other names: c.1183C>T, p.Pro395Ser (NM_001363668.2); c.*550C>T (NM_012461.3); short protein forms P395S, P430S.
Identifiers: ClinVar variation 664557 (VCV000664557.10), dbSNP rs374776408, ClinGen allele CA257880756.